The following is an entry in ClinVar:

NM_001163435.3(TBCK):c.428A>G (p.His143Arg)

Gene: TBCK (TBC1 domain containing kinase; minus strand). Cytogenetic location: 4q24.
Variant type: single nucleotide variant.
Coding change: c.428A>G on transcript NM_001163435.3 (MANE Select); coding-DNA position 428, A replaced by G.
Protein change: p.His143Arg; replaces histidine 143 with arginine.
Molecular consequence: missense variant. On other transcripts: 5 prime UTR variant (1), intron variant (1).
Genome position (GRCh38, 1-based): chr4:106,260,464, T>C on the plus strand (A>G on the coding strand, the complement: TBCK is on the minus strand). VCF-style: chr4-106260464-T-C. GRCh37 (hg19) VCF-style: chr4-107181621-T-C.
Other names: c.428A>G, p.His143Arg (NM_001163436.4, NM_001163437.3); c.-190A>G (NM_001290768.2); c.267-8457A>G (NM_033115.5); c.428A>G (NM_001163435.1); short protein forms H143R.
Identifiers: ClinVar variation 1511263 (VCV001511263.8), dbSNP rs770794972, ClinGen allele CA103416514.

ClinVar aggregate classification (germline): Uncertain significance. Review status: criteria provided, multiple submitters, no conflicts (2 of 4 stars). 2 submissions from 2 submitters: Uncertain significance (2). Last evaluated 2025-01-27.

Conditions:
Inborn genetic diseases. Identifiers: MedGen C0950123, MeSH D030342.

Allele frequency attached by ClinVar (database versions not stated): gnomAD exomes 0.00001; gnomAD 0.00002; TOPMed 0.00003.
gnomAD v4.1: 35 of 1,400,656 alleles (0.0025%); highest among the groups gnomAD compares: Admixed American, 0.0049%; no homozygotes.

Submissions (2):

Labcorp Genetics (formerly Invitae), Labcorp
Classification: Uncertain significance. Last evaluated: 2025-01-27. Review status: criteria provided, single submitter. Criteria: Invitae Variant Classification Sherloc (09022015). Collection method: clinical testing. Allele origin: germline.
Comment: This sequence change replaces histidine, which is basic and polar, with arginine, which is basic and polar, at codon 143 of the TBCK protein (p.His143Arg). The frequency data for this variant in the population databases is considered unreliable, as metrics indicate poor data quality at this position in the gnomAD database. This variant has not been reported in the literature in individuals affected with TBCK-related conditions. ClinVar contains an entry for this variant (Variation ID: 1511263). Invitae Evidence Modeling of protein sequence and biophysical properties (such as structural, functional, and spatial information, amino acid conservation, physicochemical variation, residue mobility, and thermodynamic stability) indicates that this missense variant is not expected to disrupt TBCK protein function with a negative predictive value of 80%. In summary, the available evidence is currently insufficient to determine the role of this variant in disease. Therefore, it has been classified as a Variant of Uncertain Significance.

Ambry Genetics
Classification: Uncertain significance for Inborn genetic diseases. Last evaluated: 2023-10-20. Review status: criteria provided, single submitter. Criteria: Ambry Variant Classification Scheme 2023. Collection method: clinical testing. Allele origin: germline.